The following is an entry in ClinVar:

NM_005633.4(SOS1):c.3644C>T (p.Pro1215Leu)

Gene: SOS1 (SOS Ras/Rac guanine nucleotide exchange factor 1; minus strand). Cytogenetic location: 2p22.1.
Variant type: single nucleotide variant.
Coding change: c.3644C>T on transcript NM_005633.4 (MANE Select); coding-DNA position 3644, C replaced by T.
Protein change: p.Pro1215Leu; replaces proline 1215 with leucine.
Molecular consequence: missense variant.
Genome position (GRCh38, 1-based): chr2:38,986,182, G>A on the plus strand (C>T on the coding strand, the complement: SOS1 is on the minus strand). VCF-style: chr2-38986182-G-A. GRCh37 (hg19) VCF-style: chr2-39213323-G-A.
Other names: c.3623C>T, p.Pro1208Leu (NM_001382394.1); c.3599C>T, p.Pro1200Leu (NM_001382395.1); short protein forms P1215L, P1200L, P1208L.
Identifiers: ClinVar variation 2742199 (VCV002742199.3), dbSNP rs730881050, ClinGen allele CA297283.

ClinVar aggregate classification (germline): Uncertain significance (1 of 4 stars; one submission).

Conditions:
RASopathy. Also called: rasopathies; Noonan spectrum disorder. Identifiers: Orphanet 536391, MedGen C5555857, MONDO:0021060.

Allele frequency attached by ClinVar (database versions not stated): gnomAD 0.00001; TOPMed 0.00002.
gnomAD v4.1: 11 of 1,613,796 alleles (0.00068%); highest among the groups gnomAD compares: Non-Finnish European, 0.00093%; no homozygotes.

Submission:

Labcorp Genetics (formerly Invitae), Labcorp
Classification: Uncertain significance for RASopathy. Last evaluated: 2024-10-05. Review status: criteria provided, single submitter. Criteria: Invitae Variant Classification Sherloc (09022015). Collection method: clinical testing. Allele origin: germline.
Comment: This sequence change replaces proline, which is neutral and non-polar, with leucine, which is neutral and non-polar, at codon 1215 of the SOS1 protein (p.Pro1215Leu). This variant is not present in population databases (gnomAD no frequency). This variant has not been reported in the literature in individuals affected with SOS1-related conditions. Invitae Evidence Modeling of protein sequence and biophysical properties (such as structural, functional, and spatial information, amino acid conservation, physicochemical variation, residue mobility, and thermodynamic stability) has been performed for this missense variant. However, the output from this modeling did not meet the statistical confidence thresholds required to predict the impact of this variant on SOS1 protein function. In summary, the available evidence is currently insufficient to determine the role of this variant in disease. Therefore, it has been classified as a Variant of Uncertain Significance.